The following is an entry in ClinVar:

ClinVar aggregate classification (germline): Uncertain significance (1 of 4 stars; one submission).

gnomAD v4.1: 3 of 1,612,724 alleles (0.00019%); highest among the groups gnomAD compares: South Asian, 0.0022%; no homozygotes.

Submission:

Labcorp Genetics (formerly Invitae), Labcorp
Classification: Uncertain significance. Last evaluated: 2023-12-18. Review status: criteria provided, single submitter. Criteria: Invitae Variant Classification Sherloc (09022015). Collection method: clinical testing. Allele origin: germline.
Comment: This sequence change replaces leucine, which is neutral and non-polar, with glutamine, which is neutral and polar, at codon 424 of the PLOD2 protein (p.Leu424Gln). This variant is not present in population databases (gnomAD no frequency). This variant has not been reported in the literature in individuals affected with PLOD2-related conditions. ClinVar contains an entry for this variant (Variation ID: 1494274). Advanced modeling of protein sequence and biophysical properties (such as structural, functional, and spatial information, amino acid conservation, physicochemical variation, residue mobility, and thermodynamic stability) performed at Invitae indicates that this missense variant is expected to disrupt PLOD2 protein function with a positive predictive value of 80%. In summary, the available evidence is currently insufficient to determine the role of this variant in disease. Therefore, it has been classified as a Variant of Uncertain Significance.

NM_182943.3(PLOD2):c.1271T>A (p.Leu424Gln)

Gene: PLOD2 (procollagen-lysine,2-oxoglutarate 5-dioxygenase 2; minus strand). Cytogenetic location: 3q24.
Variant type: single nucleotide variant.
Coding change: c.1271T>A on transcript NM_182943.3 (MANE Select); coding-DNA position 1271, T replaced by A.
Protein change: p.Leu424Gln; replaces leucine 424 with glutamine.
Molecular consequence: missense variant.
Genome position (GRCh38, 1-based): chr3:146,081,825, A>T on the plus strand (T>A on the coding strand, the complement: PLOD2 is on the minus strand). VCF-style: chr3-146081825-A-T. GRCh37 (hg19) VCF-style: chr3-145799612-A-T.
Other names: c.1271T>A, p.Leu424Gln (NM_000935.3); short protein forms L424Q.
Identifiers: ClinVar variation 1494274 (VCV001494274.8), dbSNP rs138985871, ClinGen allele CA354889912.